The following is an entry in ClinVar:

NM_001365068.1(ASTN2):c.646CTG[5] (p.Leu221del)

Gene: ASTN2 (astrotactin 2; minus strand). Cytogenetic location: 9q33.1.
Variant type: Microsatellite.
Coding change: c.646CTG[5] on transcript NM_001365068.1 (MANE Select); five copies in a row of the 3-base unit CTG starting at c.646; the reference has six copies in a row; one copy, 3 bases deleted.
Protein change: p.Leu221del; deletes leucine 221.
Genome position (GRCh38, 1-based): chr9:117,214,710-117,214,712, CAG deleted on the plus strand (CTG on the coding strand, the reverse complement: ASTN2 is on the minus strand); deleting any 3 consecutive bases within chr9:117,214,710-117,214,728 gives the same sequence; the position shown is the placement nearest the transcript's 3' end. VCF-style (leftmost placement, unchanged base first): chr9-117214709-CCAG-C. GRCh37 (hg19) VCF-style: chr9-119976988-CCAG-C.
Other names: c.646CTG[5], p.Leu221del (NM_001365069.1, NM_014010.5); short protein forms L221del.
Identifiers: ClinVar variation 3057147 (VCV003057147.2), dbSNP rs750505669, ClinGen allele CA5211944.

ClinVar aggregate classification (germline): Benign (0 of 4 stars; one submission).

Conditions:
ASTN2-related disorder. Also called: ASTN2-related condition.

Submission:

PreventionGenetics, part of Exact Sciences
Classification: Benign for ASTN2-related condition. Last evaluated: 2019-05-08. Review status: no assertion criteria provided. Collection method: clinical testing. Allele origin: germline.
Comment: This variant is classified as benign based on ACMG/AMP sequence variant interpretation guidelines (Richards et al. 2015 PMID: 25741868, with internal and published modifications).